The following is an entry in ClinVar:

ClinVar aggregate classification (germline): Uncertain significance (1 of 4 stars; one submission).

Allele frequency attached by ClinVar (database versions not stated): gnomAD exomes below 0.00001.
gnomAD v4.1: 1 of 1,614,028 alleles (0.000062%); highest among the groups gnomAD compares: Non-Finnish European, 0.000085%; no homozygotes.

Submission:

Women's Health and Genetics/Laboratory Corporation of America, LabCorp
Classification: Uncertain significance. Last evaluated: 2025-11-06. Review status: criteria provided, single submitter. Criteria: LabCorp Variant Classification Summary - May 2015. Collection method: clinical testing. Allele origin: germline.
Comment: Variant summary: BRCA2 c.9544C>T (p.His3182Tyr) results in a conservative amino acid change located in the BRCA2, OB3 domain (IPR015188) of the encoded protein sequence. Algorithms developed to predict the effect of missense changes on protein structure and function all suggest that this variant is likely to be tolerated. The variant was absent in 251390 control chromosomes. The available data on variant occurrences in the general population are insufficient to allow any conclusion about variant significance. To our knowledge, no occurrence of c.9544C>T in individuals affected with BRCA2-related conditions and no experimental evidence demonstrating its impact on protein function have been reported. ClinVar contains an entry for this variant (Variation ID: 992231). Based on the evidence outlined above, the variant was classified as uncertain significance.

NM_000059.4(BRCA2):c.9544C>T (p.His3182Tyr)

Gene: BRCA2 (BRCA2 DNA repair associated; plus strand). Cytogenetic location: 13q13.1.
Variant type: single nucleotide variant.
Coding change: c.9544C>T on transcript NM_000059.4 (MANE Select); coding-DNA position 9544, C replaced by T.
Protein change: p.His3182Tyr; replaces histidine 3182 with tyrosine.
Molecular consequence: missense variant.
Genome position (GRCh38, 1-based): chr13:32,396,940, C>T. VCF-style: chr13-32396940-C-T. GRCh37 (hg19) VCF-style: chr13-32971077-C-T.
Other names: short protein forms H3182Y.
Identifiers: ClinVar variation 992231 (VCV000992231.2), dbSNP rs2073040551, ClinGen allele CA387763155.